The following is an entry in ClinVar:

NC_000010.10:g.(?_8097619)_(8097879_?)del

Gene: GATA3 (GATA binding protein 3; plus strand). Cytogenetic location: 10p14.
Variant type: Deletion.
Identifiers: ClinVar variation 3244953 (VCV003244953.1).

ClinVar aggregate classification (germline): Pathogenic (1 of 4 stars; one submission).

Submission:

Labcorp Genetics (formerly Invitae), Labcorp
Classification: Pathogenic. Last evaluated: 2023-05-11. Review status: criteria provided, single submitter. Criteria: Invitae Variant Classification Sherloc (09022015). Collection method: clinical testing. Allele origin: unknown.
Comment: For these reasons, this variant has been classified as Pathogenic. This variant has not been reported in the literature in individuals affected with GATA3-related conditions. This variant is a gross deletion of the genomic region encompassing exon(s) 2 of the GATA3 gene, which includes the initiator codon. This deletion extends beyond the assayed region for this gene and therefore may encompass additional genes. It is expected to result in an absent or disrupted protein product. Loss-of-function variants in GATA3 are known to be pathogenic (PMID: 14985365, 21242646).

Literature cited by the submitters: PubMed 14985365; PubMed 21242646.